The following is an entry in ClinVar:

ClinVar aggregate classification (germline): Uncertain significance (1 of 4 stars; one submission).

Allele frequency attached by ClinVar (database versions not stated): gnomAD exomes below 0.00001.
gnomAD v4.1: 2 of 1,551,430 alleles (0.00013%); highest among the groups gnomAD compares: Non-Finnish European, 0.00017%; no homozygotes.

Submission:

Labcorp Genetics (formerly Invitae), Labcorp
Classification: Uncertain significance. Last evaluated: 2024-11-05. Review status: criteria provided, single submitter. Criteria: Invitae Variant Classification Sherloc (09022015). Collection method: clinical testing. Allele origin: germline.
Comment: This sequence change replaces threonine, which is neutral and polar, with isoleucine, which is neutral and non-polar, at codon 1788 of the EYS protein (p.Thr1788Ile). This variant is not present in population databases (gnomAD no frequency). This variant has not been reported in the literature in individuals affected with EYS-related conditions. ClinVar contains an entry for this variant (Variation ID: 2070023). Invitae Evidence Modeling of protein sequence and biophysical properties (such as structural, functional, and spatial information, amino acid conservation, physicochemical variation, residue mobility, and thermodynamic stability) indicates that this missense variant is not expected to disrupt EYS protein function with a negative predictive value of 80%. In summary, the available evidence is currently insufficient to determine the role of this variant in disease. Therefore, it has been classified as a Variant of Uncertain Significance.

NM_001142800.2(EYS):c.5363C>T (p.Thr1788Ile)

Gene: EYS (EGF-like photoreceptor maintenance factor; minus strand). Cytogenetic location: 6q12.
Variant type: single nucleotide variant.
Coding change: c.5363C>T on transcript NM_001142800.2 (MANE Select); coding-DNA position 5363, C replaced by T.
Protein change: p.Thr1788Ile; replaces threonine 1788 with isoleucine.
Molecular consequence: missense variant.
Genome position (GRCh38, 1-based): chr6:64,590,504, G>A on the plus strand (C>T on the coding strand, the complement: EYS is on the minus strand). VCF-style: chr6-64590504-G-A. GRCh37 (hg19) VCF-style: chr6-65300397-G-A.
Other names: c.5363C>T, p.Thr1788Ile (NM_001292009.2); short protein forms T1788I.
Identifiers: ClinVar variation 2070023 (VCV002070023.4), dbSNP rs2533149656, ClinGen allele CA364781264.